The following is an entry in ClinVar:

ClinVar aggregate classification (germline): Uncertain significance. Review status: criteria provided, multiple submitters, no conflicts (2 of 4 stars). 3 submissions from 3 submitters: Uncertain significance (3). Last evaluated 2026-01-17.

Conditions:
Cardiovascular phenotype. Identifiers: MedGen CN230736.
Ehlers-Danlos syndrome, musculocontractural type (EDSMC). Also called: Adducted thumb, clubfoot, progressive joint and skin laxity syndrome; ARTHROGRYPOSIS, DISTAL, WITH PECULIAR FACIES AND HYDRONEPHROSIS; DUNDAR SYNDROME; ADDUCTED THUMB-CLUBFOOT SYNDROME. Identifiers: Orphanet 2953, MedGen C1866294, MONDO:0011142.

Allele frequency attached by ClinVar (database versions not stated): gnomAD exomes 0.00001.
gnomAD v4.1: 3 of 1,556,082 alleles (0.00019%); highest among the groups gnomAD compares: Admixed American, 0.0019%; no homozygotes.

Submissions (3):

Ambry Genetics
Classification: Uncertain significance for Cardiovascular phenotype. Last evaluated: 2026-01-17. Review status: criteria provided, single submitter. Criteria: Ambry Variant Classification Scheme 2023. Collection method: clinical testing. Allele origin: germline.
Comment: The p.A52V variant (also known as c.155C>T), located in coding exon 1 of the CHST14 gene, results from a C to T substitution at nucleotide position 155. The alanine at codon 52 is replaced by valine, an amino acid with similar properties. This amino acid position is conserved. In addition, the in silico prediction for this alteration is inconclusive. Based on the available evidence, the clinical significance of this variant remains unclear.

Women's Health and Genetics/Laboratory Corporation of America, LabCorp
Classification: Uncertain significance. Last evaluated: 2025-10-24. Review status: criteria provided, single submitter. Criteria: LabCorp Variant Classification Summary - May 2015. Collection method: clinical testing. Allele origin: germline.
Comment: Variant summary: CHST14 c.155C>T (p.Ala52Val) results in a non-conservative amino acid change in the encoded protein sequence. Algorithms developed to predict the effect of missense changes on protein structure and function are either unavailable or do not agree on the potential impact of this missense change. The variant allele was found at a frequency of 6.2e-06 in 160834 control chromosomes. The available data on variant occurrences in the general population are insufficient to allow any conclusion about variant significance. To our knowledge, no occurrence of c.155C>T in individuals affected with CHST14-related conditions and no experimental evidence demonstrating its impact on protein function have been reported. ClinVar contains an entry for this variant (Variation ID: 2056351). Based on the evidence outlined above, the variant was classified as uncertain significance.

Labcorp Genetics (formerly Invitae), Labcorp
Classification: Uncertain significance for Ehlers-Danlos syndrome, musculocontractural type. Last evaluated: 2022-03-18. Review status: criteria provided, single submitter. Criteria: Invitae Variant Classification Sherloc (09022015). Collection method: clinical testing. Allele origin: germline.
Comment: This sequence change replaces alanine, which is neutral and non-polar, with valine, which is neutral and non-polar, at codon 52 of the CHST14 protein (p.Ala52Val). This variant is not present in population databases (gnomAD no frequency). This variant has not been reported in the literature in individuals affected with CHST14-related conditions. Algorithms developed to predict the effect of missense changes on protein structure and function are either unavailable or do not agree on the potential impact of this missense change (SIFT: "Deleterious"; PolyPhen-2: "Possibly Damaging"; Align-GVGD: "Class C0"). In summary, the available evidence is currently insufficient to determine the role of this variant in disease. Therefore, it has been classified as a Variant of Uncertain Significance.

NM_130468.4(CHST14):c.155C>T (p.Ala52Val)

Genes: CHST14 (carbohydrate sulfotransferase 14; plus strand), LOC130056851 (ATAC-STARR-seq lymphoblastoid silent region 6336; plus strand). Cytogenetic location: 15q15.1.
Variant type: single nucleotide variant.
Coding change: c.155C>T on transcript NM_130468.4 (MANE Select); coding-DNA position 155, C replaced by T.
Protein change: p.Ala52Val; replaces alanine 52 with valine.
Molecular consequence: missense variant.
Genome position (GRCh38, 1-based): chr15:40,471,368, C>T. VCF-style: chr15-40471368-C-T. GRCh37 (hg19) VCF-style: chr15-40763567-C-T.
Other names: short protein forms A52V.
Identifiers: ClinVar variation 2056351 (VCV002056351.3), dbSNP rs1242855958, ClinGen allele CA391763956.
Genomic context (GRCh38, chr15:40,471,368, plus strand): 5'-CGGGGCTGGGTGGGCCGCCCCTGCTGCTGCCGTCCATGCTGATGTTTGCGGTGATCGTGG[C>T]CTCCAGCGGGCTGCTGCTCATGATCGAGCGGGGCATCCTGGCCGAGATGAAGCCCCTGCC-3'
Protein context (NP_569735.1, residues 42-62): PSMLMFAVIV[Ala52Val]SSGLLLMIER